The following is an entry in ClinVar:

NM_000057.4(BLM):c.703G>A (p.Val235Met)

Gene: BLM (BLM RecQ like helicase; plus strand). Cytogenetic location: 15q26.1.
Variant type: single nucleotide variant.
Coding change: c.703G>A on transcript NM_000057.4 (MANE Select); coding-DNA position 703, G replaced by A.
Protein change: p.Val235Met; replaces valine 235 with methionine.
Molecular consequence: missense variant. On other transcripts: 5 prime UTR variant (1).
Genome position (GRCh38, 1-based): chr15:90,749,971, G>A. VCF-style: chr15-90749971-G-A. GRCh37 (hg19) VCF-style: chr15-91293201-G-A.
Other names: c.703G>A, p.Val235Met (NM_001287246.2, NM_001287247.2); c.-589G>A (NM_001287248.2); short protein forms V235M.
Identifiers: ClinVar variation 826793 (VCV000826793.20), dbSNP rs765696829, ClinGen allele CA7738331.
Genomic context (GRCh38, chr15:90,749,971, plus strand): 5'-AGCGAGCAAATAGATTTGACTGAGGAACAGAAGGATGACTCAGAATGGTTAAGCAGCGAT[G>A]TGATTTGCATCGATGATGGCCCCATTGCTGAAGTGCATATAAATGAAGATGCTCAGGAAA-3'
Protein context (NP_000048.1, residues 225-245): KDDSEWLSSD[Val235Met]ICIDDGPIAE

ClinVar aggregate classification (germline): Uncertain significance. Review status: criteria provided, multiple submitters, no conflicts (2 of 4 stars). 3 submissions from 3 submitters: Uncertain significance (2). 1 of the submissions does not count toward it. Last evaluated 2025-11-08.

Conditions:
Hereditary cancer-predisposing syndrome. Also called: Neoplastic Syndromes, Hereditary; Tumor predisposition; Hereditary neoplastic syndrome; Hereditary Cancer Syndrome. Identifiers: Orphanet 140162, MedGen C0027672, MeSH D009386, MONDO:0015356.
Bloom syndrome (BLM). Also called: Bloom-Torre-Machacek syndrome. Identifiers: Orphanet 125, MedGen C0005859, MONDO:0008876, OMIM 210900.

Allele frequency attached by ClinVar (database versions not stated): gnomAD exomes below 0.00001; ExAC 0.00001.
gnomAD v4.1: 2 of 1,614,228 alleles (0.00012%); highest among the groups gnomAD compares: South Asian, 0.0011%; no homozygotes.

Submissions (3):

Ambry Genetics
Classification: Uncertain significance for Hereditary cancer-predisposing syndrome. Last evaluated: 2025-11-08. Review status: criteria provided, single submitter. Criteria: Ambry Variant Classification Scheme 2023. Collection method: clinical testing. Allele origin: germline.
Comment: The p.V235M variant (also known as c.703G>A), located in coding exon 2 of the BLM gene, results from a G to A substitution at nucleotide position 703. The valine at codon 235 is replaced by methionine, an amino acid with highly similar properties. This amino acid position is highly conserved in available vertebrate species. In addition, this alteration is predicted to be tolerated by in silico analysis. Since supporting evidence is limited at this time, the clinical significance of this alteration remains unclear.

Labcorp Genetics (formerly Invitae), Labcorp
Classification: Uncertain significance for Bloom syndrome. Last evaluated: 2025-05-13. Review status: criteria provided, single submitter. Criteria: Invitae Variant Classification Sherloc (09022015). Collection method: clinical testing. Allele origin: germline.
Comment: This sequence change replaces valine, which is neutral and non-polar, with methionine, which is neutral and non-polar, at codon 235 of the BLM protein (p.Val235Met). This variant is present in population databases (rs765696829, gnomAD 0.003%). This variant has not been reported in the literature in individuals affected with BLM-related conditions. ClinVar contains an entry for this variant (Variation ID: 826793). An algorithm developed to predict the effect of missense changes on protein structure and function outputs the following: PolyPhen-2: "Benign". The methionine amino acid residue is found in multiple mammalian species, which suggests that this missense change does not adversely affect protein function. In summary, the available evidence is currently insufficient to determine the role of this variant in disease. Therefore, it has been classified as a Variant of Uncertain Significance.

Natera, Inc.
Classification: Uncertain significance for Bloom syndrome. Last evaluated: 2020-07-26. Review status: no assertion criteria provided. Collection method: clinical testing. Allele origin: germline. Not counted in ClinVar's aggregate classification.